The following is an entry in ClinVar:

ClinVar aggregate classification (germline): Conflicting classifications of pathogenicity. Review status: criteria provided, conflicting classifications (1 of 4 stars). 3 submissions from 3 submitters: Pathogenic (1); Likely pathogenic (1); Uncertain significance (1). Last evaluated 2026-05-19.

Conditions:
Hereditary cancer-predisposing syndrome. Also called: Tumor predisposition; Hereditary neoplastic syndrome; Neoplastic Syndromes, Hereditary; Hereditary Cancer Syndrome. Identifiers: Orphanet 140162, MedGen C0027672, MeSH D009386, MONDO:0015356.
Fumarase deficiency (FMRD). Also called: Fumaric aciduria; Fumarate Hydratase Deficiency. Identifiers: Orphanet 24, MedGen C0342770, MONDO:0011730, OMIM 606812.

Submissions (3):

Ambry Genetics
Classification: Uncertain significance for Hereditary cancer-predisposing syndrome. Last evaluated: 2026-05-19. Review status: criteria provided, single submitter. Criteria: Ambry Variant Classification Scheme 2023. Collection method: clinical testing. Allele origin: germline.
Comment: The p.S11* variant (also known as c.32C>A), located in coding exon 1 of the FH gene, results from a C to A substitution at nucleotide position 32. This changes the amino acid from a serine to a stop codon within coding exon 1. This alteration is expected to result in loss of function by premature protein truncation or nonsense-mediated mRNA decay. However, there is a second in-frame methionine at p.M44. Proteins initiated from the first methionine are targeted to the mitochondrion while proteins initiated from the second methionine are targeted to the cytoplasm due to the lack of the mitochondrial targeting sequence encoded between them (Dik E et al. Traffic, 2016 Jul;17:720-32; Magrane M et al., Database (Oxford) 2011). Data suggest that it is the cytoplasmic protein that conveys the tumor suppressor function of FH (Yogev O et al. PLoS Biol., 2010 Mar;8:e1000328). This variant and others that are expected to adversely affect the protein before the second methionine have been observed in numerous individuals who do not have a personal or family history that is consistent with or suggestive of FH-related tumor predisposition (Ambry internal data). The clinical impact of this variant in terms of autosomal recessive Fumarase Deficiency is also unclear due to the lack of this variant being associated with this autosomal recessive disease in the literature and internally. Based on the available evidence, the clinical significance of this variant remains unclear.

Labcorp Genetics (formerly Invitae), Labcorp
Classification: Pathogenic. Last evaluated: 2025-11-09. Review status: criteria provided, single submitter. Criteria: Invitae Variant Classification Sherloc (09022015). Collection method: clinical testing. Allele origin: germline.
Comment: This sequence change creates a premature translational stop signal (p.Ser11*) in the FH gene. FH has two initiator codons, p.Met1 and p.Met44, which result in two different functional isoforms that localize to the mitochondria and cytosol, respectively (PMID: 21929734, 27037871). Loss-of-function variants in FH are known to be pathogenic (PMID: 11865300, 21398687). Variants affecting the mitochondrial isoform confer risk for fumarate hydratase deficiency, while variants that affect the cytosolic isoform confer risk for FH tumor predisposition syndrome. This variant is not present in population databases (gnomAD no frequency). This variant has not been reported in the literature in individuals affected with FH-related conditions. ClinVar contains an entry for this variant (Variation ID: 2675693). This variant disrupts the mitochondria-targeting sequence (MTS) of the FH protein, which is important for protein import into the mitochondria (PMID: 27037871). This suggests that disruption of this region is causative of fumarate hydratase deficiency. For these reasons, this variant has been classified as Pathogenic for autosomal recessive fumarate hydratase deficiency. However, this variant is not likely to confer risk for autosomal dominant FH tumor predisposition syndrome.

Baylor Genetics
Classification: Likely pathogenic for Fumarase deficiency. Last evaluated: 2021-11-15. Review status: criteria provided, single submitter. Criteria: ACMG Guidelines, 2015. Collection method: clinical testing. Allele origin: unknown.

Literature cited by the submitters: PubMed 21929734 (cited by Labcorp Genetics (formerly Invitae), Labcorp); PubMed 27037871 (cited by Labcorp Genetics (formerly Invitae), Labcorp); PubMed 11865300 (cited by Labcorp Genetics (formerly Invitae), Labcorp); PubMed 21398687 (cited by Labcorp Genetics (formerly Invitae), Labcorp).

NM_000143.4(FH):c.32C>A (p.Ser11Ter)

Gene: FH (fumarate hydratase; minus strand). Cytogenetic location: 1q43.
Variant type: single nucleotide variant.
Coding change: c.32C>A on transcript NM_000143.4 (MANE Select); coding-DNA position 32, C replaced by A.
Protein change: p.Ser11Ter; replaces serine 11 with a stop codon.
Molecular consequence: nonsense.
Genome position (GRCh38, 1-based): chr1:241,519,691, G>T on the plus strand (C>A on the coding strand, the complement: FH is on the minus strand). VCF-style: chr1-241519691-G-T. GRCh37 (hg19) VCF-style: chr1-241682991-G-T.
Other names: short protein forms S11*.
Identifiers: ClinVar variation 2675693 (VCV002675693.3), dbSNP rs1226883651, ClinGen allele CA345443022.